The following is an entry in ClinVar:

NM_172250.3(MMAA):c.708T>A (p.Tyr236Ter)

Gene: MMAA (metabolism of cobalamin associated A; plus strand). Cytogenetic location: 4q31.21.
Variant type: single nucleotide variant.
Coding change: c.708T>A on transcript NM_172250.3 (MANE Select); coding-DNA position 708, T replaced by A.
Protein change: p.Tyr236Ter; replaces tyrosine 236 with a stop codon.
Molecular consequence: nonsense.
Genome position (GRCh38, 1-based): chr4:145,646,131, T>A. VCF-style: chr4-145646131-T-A. GRCh37 (hg19) VCF-style: chr4-146567283-T-A.
Other names: c.708T>A, p.Tyr236Ter (NM_001375644.1); short protein forms Y236*.
Identifiers: ClinVar variation 1724530 (VCV001724530.2), dbSNP rs2546339598, ClinGen allele CA358356293.

ClinVar aggregate classification (germline): Likely pathogenic (1 of 4 stars; one submission).

Conditions:
Methylmalonic aciduria, cblA type (MACA). Also called: Methylmalonic aciduria, vitamin b12-responsive, due to defect in synthesis of adenosylcobalamin, cbla complementation type; MMA cbl A type; Methylmalonic acidemia cblA type; Methylmalonic aciduria, vitamin B12-responsive; Vitamin B12-responsive methylmalonic acidemia type cblA. Identifiers: Orphanet 28, Orphanet 79310, MedGen C1855109, MONDO:0009613, OMIM 251100.

Submission:

Myriad Genetics, Inc.
Classification: Likely pathogenic for Methylmalonic aciduria, cblA type. Last evaluated: 2022-02-19. Review status: criteria provided, single submitter. Criteria: Myriad Women's Health Autosomal Recessive and X-Linked Classification Criteria (2021). Collection method: clinical testing. Allele origin: unknown.
Comment: NM_172250.2(MMAA):c.708T>A(Y236*) is expected to be pathogenic in the context of methylmalonic acidemia, cblA type. This variant is predicted to lead to an abnormal or absent protein product due to the creation of a premature termination codon in MMAA, a gene where loss-of-function variants are known to be pathogenic. Please note: this variant was assessed in the context of healthy population screening.